The following is an entry in ClinVar:

NM_003482.4(KMT2D):c.15022G>A (p.Glu5008Lys)

Gene: KMT2D (lysine methyltransferase 2D; minus strand). Cytogenetic location: 12q13.12.
Variant type: single nucleotide variant.
Coding change: c.15022G>A on transcript NM_003482.4 (MANE Select); coding-DNA position 15022, G replaced by A.
Protein change: p.Glu5008Lys; replaces glutamic acid 5008 with lysine.
Molecular consequence: missense variant.
Genome position (GRCh38, 1-based): chr12:49,026,944, C>T on the plus strand (G>A on the coding strand, the complement: KMT2D is on the minus strand). VCF-style: chr12-49026944-C-T. GRCh37 (hg19) VCF-style: chr12-49420727-C-T.
Other names: short protein forms E5008K.
Identifiers: ClinVar variation 2022396 (VCV002022396.6), dbSNP rs746748048, ClinGen allele CA6545616.

ClinVar aggregate classification (germline): Conflicting classifications of pathogenicity. Review status: criteria provided, conflicting classifications (1 of 4 stars). 3 submissions from 3 submitters: Uncertain significance (2); Benign (1). Last evaluated 2026-09-08.

Conditions:
Kabuki syndrome 1 (KABUK1). Also called: KMT2D-Related Kabuki Syndrome. Identifiers: Orphanet 2322, MedGen CN030661, MONDO:0007843, OMIM 147920.
Choanal atresia-athelia-hypothyroidism-delayed puberty-short stature syndrome (BCAHH). Also called: BRANCHIAL ARCH ABNORMALITIES, CHOANAL ATRESIA, ATHELIA, HEARING LOSS, AND HYPOTHYROIDISM SYNDROME. Identifiers: Orphanet 589856, MedGen C5680310, MONDO:0035651, OMIM 620186.
Kabuki syndrome. Also called: Kabuki make-up syndrome; NIIKAWA-KUROKI SYNDROME. Identifiers: Orphanet 2322, MedGen C0796004, MONDO:0016512.
KMT2D-related disorder. Also called: KMT2D-Related Disorders.

Allele frequency attached by ClinVar (database versions not stated): ExAC 0.00001; gnomAD exomes 0.00001; TOPMed 0.00002.
gnomAD v4.1: 10 of 1,614,032 alleles (0.00062%); highest among the groups gnomAD compares: Admixed American, 0.013%; no homozygotes.

Submissions (3):

PreventionGenetics, part of Exact Sciences
Classification: Uncertain significance for KMT2D-related condition. Last evaluated: 2026-09-08. Review status: criteria provided, single submitter. Criteria: ACMG Guidelines, 2015. Collection method: clinical testing. Allele origin: germline.
Comment: The KMT2D c.15022G>A variant is predicted to result in the amino acid substitution p.Glu5008Lys. To our knowledge, this variant has not been reported in the literature. This variant is reported in 0.014% of alleles in individuals of Latino descent in gnomAD, which may be too common to be a primary cause of disease. Although we suspect that this variant may be benign, at this time, the clinical significance of this variant is uncertain due to the absence of conclusive functional and genetic evidence.

Labcorp Genetics (formerly Invitae), Labcorp
Classification: Benign for Kabuki syndrome. Last evaluated: 2025-09-22. Review status: criteria provided, single submitter. Criteria: Invitae Variant Classification Sherloc (09022015). Collection method: clinical testing. Allele origin: germline.

Fulgent Genetics
Classification: Uncertain significance for Kabuki syndrome 1; Choanal atresia-athelia-hypothyroidism-delayed puberty-short stature syndrome. Last evaluated: 2024-05-19. Review status: criteria provided, single submitter. Criteria: ACMG Guidelines, 2015. Collection method: clinical testing. Allele origin: germline.